The following is an entry in ClinVar:

NM_000257.4(MYH7):c.3377G>A (p.Arg1126His)

Gene: MYH7 (myosin heavy chain 7; minus strand). Cytogenetic location: 14q11.2.
Variant type: single nucleotide variant.
Coding change: c.3377G>A on transcript NM_000257.4 (MANE Select); coding-DNA position 3377, G replaced by A.
Protein change: p.Arg1126His; replaces arginine 1126 with histidine.
Molecular consequence: missense variant.
Genome position (GRCh38, 1-based): chr14:23,420,194, C>T on the plus strand (G>A on the coding strand, the complement: MYH7 is on the minus strand). VCF-style: chr14-23420194-C-T. GRCh37 (hg19) VCF-style: chr14-23889403-C-T.
Other names: c.3377G>A, p.Arg1126His (NM_001407004.1); short protein forms R1126H.
Identifiers: ClinVar variation 2773928 (VCV002773928.4), dbSNP rs1005639082, ClinGen allele CA257815799.

ClinVar aggregate classification (germline): Uncertain significance. Review status: criteria provided, multiple submitters, no conflicts (2 of 4 stars). 3 submissions from 3 submitters: Uncertain significance (3). Last evaluated 2025-08-25.

Conditions:
Cardiovascular phenotype. Identifiers: MedGen CN230736.
Hypertrophic cardiomyopathy. Also called: HYPERTROPHIC MYOCARDIOPATHY. Identifiers: Orphanet 217569, MedGen C0007194, MeSH D002312, MONDO:0005045, HP:0001639.
Cardiomyopathy (CMYO). Also called: Cardiomyopathies. Identifiers: Orphanet 167848, MedGen C0878544, MONDO:0004994, HP:0001638. Inheritance: Various modes of inheritance.

Submissions (3):

Labcorp Genetics (formerly Invitae), Labcorp
Classification: Uncertain significance for Hypertrophic cardiomyopathy. Last evaluated: 2025-08-25. Review status: criteria provided, single submitter. Criteria: Invitae Variant Classification Sherloc (09022015). Collection method: clinical testing. Allele origin: germline.
Comment: This sequence change replaces arginine, which is basic and polar, with histidine, which is basic and polar, at codon 1126 of the MYH7 protein (p.Arg1126His). This variant is not present in population databases (gnomAD no frequency). This variant has not been reported in the literature in individuals affected with MYH7-related conditions. ClinVar contains an entry for this variant (Variation ID: 2773928). Invitae Evidence Modeling of protein sequence and biophysical properties (such as structural, functional, and spatial information, amino acid conservation, physicochemical variation, residue mobility, and thermodynamic stability) indicates that this missense variant is expected to disrupt MYH7 protein function with a positive predictive value of 95%. In summary, the available evidence is currently insufficient to determine the role of this variant in disease. Therefore, it has been classified as a Variant of Uncertain Significance.

Ambry Genetics
Classification: Uncertain significance for Cardiovascular phenotype. Last evaluated: 2025-07-02. Review status: criteria provided, single submitter. Criteria: Ambry Variant Classification Scheme 2023. Collection method: clinical testing. Allele origin: germline.
Comment: The p.R1126H variant (also known as c.3377G>A), located in coding exon 25 of the MYH7 gene, results from a G to A substitution at nucleotide position 3377. The arginine at codon 1126 is replaced by histidine, an amino acid with highly similar properties. This amino acid position is highly conserved in available vertebrate species. In addition, the in silico prediction for this alteration is inconclusive. Based on the available evidence, the clinical significance of this variant remains unclear.

Color Diagnostics, LLC DBA Color Health
Classification: Uncertain significance for Cardiomyopathy. Last evaluated: 2024-09-13. Review status: criteria provided, single submitter. Criteria: ACMG Guidelines, 2015. Collection method: clinical testing. Allele origin: germline.
Comment: This missense variant replaces arginine with histidine at codon 1126 of the MYH7 protein. Computational prediction suggests that this variant may have deleterious impact on protein structure and function. To our knowledge, functional studies have not been reported for this variant. This variant has not been reported in individuals affected with cardiovascular disorders in the literature. This variant has not been identified in the general population by the Genome Aggregation Database (gnomAD). The available evidence is insufficient to determine the role of this variant in disease conclusively. Therefore, this variant is classified as a Variant of Uncertain Significance.